The following is an entry in ClinVar:

ClinVar aggregate classification (germline): Uncertain significance (1 of 4 stars; one submission).

Allele frequency attached by ClinVar (database versions not stated): gnomAD exomes below 0.00001.
gnomAD v4.1: 1 of 1,614,122 alleles (0.000062%); highest among the groups gnomAD compares: Admixed American, 0.0017%; no homozygotes.

Submission:

Labcorp Genetics (formerly Invitae), Labcorp
Classification: Uncertain significance. Last evaluated: 2023-07-16. Review status: criteria provided, single submitter. Criteria: Invitae Variant Classification Sherloc (09022015). Collection method: clinical testing. Allele origin: germline.
Comment: Advanced modeling of protein sequence and biophysical properties (such as structural, functional, and spatial information, amino acid conservation, physicochemical variation, residue mobility, and thermodynamic stability) performed at Invitae indicates that this missense variant is expected to disrupt GDF5 protein function. This sequence change replaces proline, which is neutral and non-polar, with arginine, which is basic and polar, at codon 436 of the GDF5 protein (p.Pro436Arg). This variant is present in population databases (no rsID available, gnomAD 0.003%). This variant has not been reported in the literature in individuals affected with GDF5-related conditions. In summary, the available evidence is currently insufficient to determine the role of this variant in disease. Therefore, it has been classified as a Variant of Uncertain Significance.

NM_000557.5(GDF5):c.1307C>G (p.Pro436Arg)

Genes: GDF5 (growth differentiation factor 5; minus strand), GDF5-AS1 (GDF5 antisense RNA 1; plus strand). Cytogenetic location: 20q11.22.
Variant type: single nucleotide variant.
Coding change: c.1307C>G on transcript NM_000557.5 (MANE Select); coding-DNA position 1307, C replaced by G.
Protein change: p.Pro436Arg; replaces proline 436 with arginine.
Molecular consequence: missense variant. On other transcripts: non-coding transcript variant (1).
Genome position (GRCh38, 1-based): chr20:35,434,108, G>C on the plus strand (C>G on the coding strand, the complement: GDF5 is on the minus strand). VCF-style: chr20-35434108-G-C. GRCh37 (hg19) VCF-style: chr20-34021906-G-C.
Other names: c.1307C>G, p.Pro436Arg (NM_001319138.2); short protein forms P436R.
Identifiers: ClinVar variation 2733090 (VCV002733090.3), dbSNP rs1402328823, ClinGen allele CA408738471.